The following is an entry in ClinVar:

NM_000780.4(CYP7A1):c.145G>A (p.Gly49Ser)

Gene: CYP7A1 (cytochrome P450 family 7 subfamily A member 1; minus strand). Cytogenetic location: 8q12.1.
Variant type: single nucleotide variant.
Coding change: c.145G>A on transcript NM_000780.4 (MANE Select); coding-DNA position 145, G replaced by A.
Protein change: p.Gly49Ser; replaces glycine 49 with serine.
Molecular consequence: missense variant.
Genome position (GRCh38, 1-based): chr8:58,498,405, C>T on the plus strand (G>A on the coding strand, the complement: CYP7A1 is on the minus strand). VCF-style: chr8-58498405-C-T. GRCh37 (hg19) VCF-style: chr8-59410964-C-T.
Other names: short protein forms G49S.
Identifiers: ClinVar variation 4773102 (VCV004773102.1).

ClinVar aggregate classification (germline): Uncertain significance (1 of 4 stars; one submission).

gnomAD v4.1: 2 of 1,613,952 alleles (0.00012%); highest among the groups gnomAD compares: South Asian, 0.0011%; no homozygotes.

Submission:

Labcorp Genetics (formerly Invitae), Labcorp
Classification: Uncertain significance. Last evaluated: 2025-11-19. Review status: criteria provided, single submitter. Criteria: Invitae Variant Classification Sherloc (09022015). Collection method: clinical testing. Allele origin: germline.
Comment: This sequence change replaces glycine, which is neutral and non-polar, with serine, which is neutral and polar, at codon 49 of the CYP7A1 protein (p.Gly49Ser). This variant is present in population databases (rs762648850, gnomAD 0.003%). This variant has not been reported in the literature in individuals affected with CYP7A1-related conditions. Invitae Evidence Modeling of protein sequence and biophysical properties (such as structural, functional, and spatial information, amino acid conservation, physicochemical variation, residue mobility, and thermodynamic stability) indicates that this missense variant is not expected to disrupt CYP7A1 protein function with a negative predictive value of 80%. In summary, the available evidence is currently insufficient to determine the role of this variant in disease. Therefore, it has been classified as a Variant of Uncertain Significance.